The following is an entry in ClinVar:

NM_006231.4(POLE):c.2027-61T>C

Gene: POLE (DNA polymerase epsilon, catalytic subunit; minus strand). Cytogenetic location: 12q24.33.
Variant type: single nucleotide variant.
Coding change: c.2027-61T>C on transcript NM_006231.4 (MANE Select); 61 bases into the intron before coding-DNA position 2027, T replaced by C.
Molecular consequence: intron variant.
Genome position (GRCh38, 1-based): chr12:132,668,563, A>G on the plus strand (T>C on the coding strand, the complement: POLE is on the minus strand). VCF-style: chr12-132668563-A-G. GRCh37 (hg19) VCF-style: chr12-133245149-A-G.
Identifiers: ClinVar variation 676493 (VCV000676493.2), dbSNP rs5744798, ClinGen allele CA13680146.

ClinVar aggregate classification (germline): Benign. Review status: criteria provided, multiple submitters, no conflicts (2 of 4 stars). 2 submissions from 2 submitters: Benign (2). Last evaluated 2018-06-20.

Allele frequency attached by ClinVar (database versions not stated): gnomAD exomes 0.45490; gnomAD 0.53282 and 0.53419; TOPMed 0.54869; 1000 Genomes Project 0.60244; 1000 Genomes Project 30x 0.60806.

Submissions (2):

GeneDx
Classification: Benign. Last evaluated: 2018-06-20. Review status: criteria provided, single submitter. Criteria: GeneDx Variant Classification (06012015). Collection method: clinical testing. Allele origin: germline. Affected: yes.
Comment: This variant is considered likely benign or benign based on one or more of the following criteria: it is a conservative change, it occurs at a poorly conserved position in the protein, it is predicted to be benign by multiple in silico algorithms, and/or has population frequency not consistent with disease.

Breakthrough Genomics
Classification: Benign. Review status: criteria provided, single submitter. Criteria: ACMG Guidelines, 2015. Collection method: not provided. Allele origin: germline. Inheritance: Autosomal recessive inheritance. Affected: yes.